The following is an entry in ClinVar:

NM_198253.3(TERT):c.337G>C (p.Glu113Gln)

Gene: TERT (telomerase reverse transcriptase; minus strand). Cytogenetic location: 5p15.33.
Variant type: single nucleotide variant.
Coding change: c.337G>C on transcript NM_198253.3 (MANE Select); coding-DNA position 337, G replaced by C.
Protein change: p.Glu113Gln; replaces glutamic acid 113 with glutamine.
Molecular consequence: missense variant. On other transcripts: non-coding transcript variant (2).
Genome position (GRCh38, 1-based): chr5:1,294,549, C>G on the plus strand (G>C on the coding strand, the complement: TERT is on the minus strand). VCF-style: chr5-1294549-C-G. GRCh37 (hg19) VCF-style: chr5-1294664-C-G.
Other names: c.337G>C, p.Glu113Gln (NM_001193376.3); short protein forms E113Q.
Identifiers: ClinVar variation 3967350 (VCV003967350.1).

ClinVar aggregate classification (germline): Uncertain significance (1 of 4 stars; one submission).

Conditions:
Dyskeratosis congenita. Identifiers: Orphanet 1775, MedGen C0265965, MONDO:0015780.

Submission:

Ambry Genetics
Classification: Uncertain significance for Dyskeratosis congenita. Last evaluated: 2025-04-17. Review status: criteria provided, single submitter. Criteria: Ambry Variant Classification Scheme 2023. Collection method: clinical testing. Allele origin: germline.
Comment: The p.E113Q variant (also known as c.337G>C), located in coding exon 2 of the TERT gene, results from a G to C substitution at nucleotide position 337. The glutamic acid at codon 113 is replaced by glutamine, an amino acid with highly similar properties. This amino acid position is conserved. In addition, this alteration is predicted to be tolerated by in silico analysis. Based on the available evidence, the clinical significance of this variant remains unclear.